The following is an entry in ClinVar:

ClinVar aggregate classification (germline): Likely benign. Review status: criteria provided, multiple submitters, no conflicts (2 of 4 stars). 2 submissions from 2 submitters: Likely benign (2). Last evaluated 2025-04-19.

Conditions:
Wilms tumor 1 (WT1). Also called: Wilms tumor, somatic. Identifiers: Orphanet 654, MedGen CN033288, MONDO:0008679, OMIM 194070.
Inborn genetic diseases. Identifiers: MedGen C0950123, MeSH D030342.

Allele frequency attached by ClinVar (database versions not stated): gnomAD exomes 0.00001.
gnomAD v4.1: 10 of 1,614,228 alleles (0.00062%); highest among the groups gnomAD compares: Non-Finnish European, 0.00085%; no homozygotes.

Submissions (2):

Ambry Genetics
Classification: Likely benign for Inborn genetic diseases. Last evaluated: 2025-04-19. Review status: criteria provided, single submitter. Criteria: Ambry Variant Classification Scheme 2023. Collection method: clinical testing. Allele origin: germline.

All of Us Research Program, National Institutes of Health
Classification: Likely benign for Wilms tumor 1. Last evaluated: 2023-10-27. Review status: criteria provided, single submitter. Criteria: ACMG Guidelines, 2015. Collection method: clinical testing. Allele origin: germline. Inheritance: Autosomal dominant inheritance. Observed: 1 variant allele, 1 heterozygote.
Comment: This study involves interpretation of variants in research participants for the purpose of population health screening. Participant phenotype was not available at the time of variant classification. Additional details can be found in publication PMID: 35346344, PMCID: PMC8962531

NM_024426.6(WT1):c.1026A>C (p.Thr342=)

Gene: WT1 (WT1 transcription factor; minus strand). Cytogenetic location: 11p13.
Variant type: single nucleotide variant.
Coding change: c.1026A>C on transcript NM_024426.6 (MANE Select); coding-DNA position 1026, A replaced by C.
Protein change: p.Thr342=; no amino-acid change (threonine 342 retained).
Molecular consequence: synonymous variant. On other transcripts: 5 prime UTR variant (1), non-coding transcript variant (2).
Genome position (GRCh38, 1-based): chr11:32,400,035, T>G on the plus strand (A>C on the coding strand, the complement: WT1 is on the minus strand). VCF-style: chr11-32400035-T-G. GRCh37 (hg19) VCF-style: chr11-32421581-T-G.
Other names: c.975A>C, p.Thr325= (NM_000378.6, NM_001407045.1, NM_001407048.1 and 1 more transcripts); c.375A>C, p.Thr125= (NM_001198551.2); c.324A>C, p.Thr108= (NM_001198552.2); c.-163A>C (NM_001367854.1); c.1020A>C, p.Thr340= (NM_001407044.1); c.1026A>C, p.Thr342= (NM_001407046.1, NM_024424.5); c.903A>C, p.Thr301= (NM_001407047.1); c.852A>C, p.Thr284= (NM_001407050.1); and 5 more.
Identifiers: ClinVar variation 3074162 (VCV003074162.2), dbSNP rs2132959076, ClinGen allele CA473567352.